The following is an entry in ClinVar:

NM_024596.5(MCPH1):c.174C>T (p.Ser58=)

Gene: MCPH1 (microcephalin 1; plus strand). Cytogenetic location: 8p23.1.
Variant type: single nucleotide variant.
Coding change: c.174C>T on transcript NM_024596.5 (MANE Select); coding-DNA position 174, C replaced by T.
Protein change: p.Ser58=; no amino-acid change (serine 58 retained).
Molecular consequence: synonymous variant. On other transcripts: non-coding transcript variant (1).
Genome position (GRCh38, 1-based): chr8:6,414,824, C>T. VCF-style: chr8-6414824-C-T. GRCh37 (hg19) VCF-style: chr8-6272345-C-T.
Other names: c.174C>T, p.Ser58= (NM_001172574.2, NM_001172575.2, NM_001322042.2 and 4 more transcripts); c.168C>T, p.Ser56= (NM_001322043.2); c.72C>T, p.Ser24= (NM_001322045.2).
Identifiers: ClinVar variation 2785247 (VCV002785247.5), dbSNP rs764660780, ClinGen allele CA459165977.

ClinVar aggregate classification (germline): Likely benign. Review status: criteria provided, multiple submitters, no conflicts (2 of 4 stars). 2 submissions from 2 submitters: Likely benign (2). Last evaluated 2026-05-01.

gnomAD v4.1: 2 of 1,613,770 alleles (0.00012%); highest among the groups gnomAD compares: Admixed American, 0.0017%; no homozygotes.

Submissions (2):

CeGaT Center for Human Genetics Tuebingen
Classification: Likely benign. Last evaluated: 2026-05-01. Review status: criteria provided, single submitter. Criteria: CeGaT Center For Human Genetics Tuebingen Variant Classification Criteria Version 2. Collection method: clinical testing. Allele origin: germline. Affected: yes. Observed: 1 variant allele.
Comment: MCPH1: BP4, BP7

Labcorp Genetics (formerly Invitae), Labcorp
Classification: Likely benign. Last evaluated: 2023-03-26. Review status: criteria provided, single submitter. Criteria: Invitae Variant Classification Sherloc (09022015). Collection method: clinical testing. Allele origin: germline.